The following is an entry in ClinVar:

NM_001793.6(CDH3):c.1066G>C (p.Ala356Pro)

Gene: CDH3 (cadherin 3; plus strand). Cytogenetic location: 16q22.1.
Variant type: single nucleotide variant.
Coding change: c.1066G>C on transcript NM_001793.6 (MANE Select); coding-DNA position 1066, G replaced by C.
Protein change: p.Ala356Pro; replaces alanine 356 with proline.
Molecular consequence: missense variant.
Genome position (GRCh38, 1-based): chr16:68,682,371, G>C. VCF-style: chr16-68682371-G-C. GRCh37 (hg19) VCF-style: chr16-68716274-G-C.
Other names: c.1066G>C, p.Ala356Pro (NM_001317195.3); c.901G>C, p.Ala301Pro (NM_001317196.2); c.1066G>C (NM_001793.4); short protein forms A301P, A356P.
Identifiers: ClinVar variation 1016083 (VCV001016083.9), dbSNP rs200872707, ClinGen allele CA8129243.

ClinVar aggregate classification (germline): Uncertain significance. Review status: criteria provided, multiple submitters, no conflicts (2 of 4 stars). 2 submissions from 2 submitters: Uncertain significance (2). Last evaluated 2024-12-16.

Conditions:
Inborn genetic diseases. Identifiers: MedGen C0950123, MeSH D030342.

Allele frequency attached by ClinVar (database versions not stated): TOPMed 0.00002; 1000 Genomes Project 30x 0.00016; 1000 Genomes Project 0.00020.
gnomAD v4.1: 18 of 1,613,994 alleles (0.0011%); highest among the groups gnomAD compares: East Asian, 0.04%; no homozygotes.

Submissions (2):

Labcorp Genetics (formerly Invitae), Labcorp
Classification: Uncertain significance. Last evaluated: 2024-12-16. Review status: criteria provided, single submitter. Criteria: Invitae Variant Classification Sherloc (09022015). Collection method: clinical testing. Allele origin: germline.
Comment: This sequence change replaces alanine, which is neutral and non-polar, with proline, which is neutral and non-polar, at codon 356 of the CDH3 protein (p.Ala356Pro). This variant is present in population databases (rs200872707, gnomAD 0.08%). This variant has not been reported in the literature in individuals affected with CDH3-related conditions. ClinVar contains an entry for this variant (Variation ID: 1016083). Invitae Evidence Modeling of protein sequence and biophysical properties (such as structural, functional, and spatial information, amino acid conservation, physicochemical variation, residue mobility, and thermodynamic stability) indicates that this missense variant is not expected to disrupt CDH3 protein function with a negative predictive value of 80%. In summary, the available evidence is currently insufficient to determine the role of this variant in disease. Therefore, it has been classified as a Variant of Uncertain Significance.

Ambry Genetics
Classification: Uncertain significance for Inborn genetic diseases. Last evaluated: 2023-10-16. Review status: criteria provided, single submitter. Criteria: Ambry Variant Classification Scheme 2023. Collection method: clinical testing. Allele origin: germline.